The following is an entry in ClinVar:

ClinVar aggregate classification (germline): Uncertain significance (1 of 4 stars; one submission).

Allele frequency attached by ClinVar (database versions not stated): ExAC 0.00003; gnomAD 0.00012.
gnomAD v4.1: 29 of 1,598,482 alleles (0.0018%); highest among the groups gnomAD compares: Admixed American, 0.04%; no homozygotes.

Submission:

Labcorp Genetics (formerly Invitae), Labcorp
Classification: Uncertain significance. Last evaluated: 2022-05-27. Review status: criteria provided, single submitter. Criteria: Invitae Variant Classification Sherloc (09022015). Collection method: clinical testing. Allele origin: germline.
Comment: This sequence change replaces threonine, which is neutral and polar, with serine, which is neutral and polar, at codon 3 of the WDR83OS protein (p.Thr3Ser). This variant is present in population databases (rs763450181, gnomAD 0.02%). This variant has not been reported in the literature in individuals affected with WDR83OS-related conditions. Algorithms developed to predict the effect of missense changes on protein structure and function (SIFT, PolyPhen-2, Align-GVGD) all suggest that this variant is likely to be tolerated. In summary, the available evidence is currently insufficient to determine the role of this variant in disease. Therefore, it has been classified as a Variant of Uncertain Significance.

NM_016145.4(WDR83OS):c.8C>G (p.Thr3Ser)

Genes: WDR83 (WD repeat domain 83; plus strand), WDR83OS (WD repeat domain 83 opposite strand; minus strand). Cytogenetic location: 19p13.13.
Variant type: single nucleotide variant.
Coding change: c.8C>G on transcript NM_016145.4 (MANE Select); coding-DNA position 8, C replaced by G.
Protein change: p.Thr3Ser; replaces threonine 3 with serine.
Molecular consequence: missense variant. On other transcripts: intron variant (1).
Genome position (GRCh38, 1-based): chr19:12,669,396, G>C on the plus strand (C>G on the coding strand, the complement: WDR83OS is on the minus strand). VCF-style: chr19-12669396-G-C. GRCh37 (hg19) VCF-style: chr19-12780210-G-C.
Other names: c.-36-359G>C (NM_001099737.3); short protein forms T3S.
Identifiers: ClinVar variation 2168737 (VCV002168737.4), dbSNP rs763450181, ClinGen allele CA9227056.